The following is an entry in ClinVar:

NM_005219.5(DIAPH1):c.515T>C (p.Leu172Pro)

Gene: DIAPH1 (diaphanous related formin 1; minus strand). Cytogenetic location: 5q31.3.
Variant type: single nucleotide variant.
Coding change: c.515T>C on transcript NM_005219.5 (MANE Select); coding-DNA position 515, T replaced by C.
Protein change: p.Leu172Pro; replaces leucine 172 with proline.
Molecular consequence: missense variant.
Genome position (GRCh38, 1-based): chr5:141,583,503, A>G on the plus strand (T>C on the coding strand, the complement: DIAPH1 is on the minus strand). VCF-style: chr5-141583503-A-G. GRCh37 (hg19) VCF-style: chr5-140963070-A-G.
Other names: c.488T>C, p.Leu163Pro (NM_001079812.3); c.515T>C, p.Leu172Pro (NM_001314007.2); short protein forms L163P, L172P.
Identifiers: ClinVar variation 4785059 (VCV004785059.1).

ClinVar aggregate classification (germline): Uncertain significance (1 of 4 stars; one submission).

Conditions:
Progressive microcephaly-seizures-cortical blindness-developmental delay syndrome. Also called: Seizures, cortical blindness, and microcephaly syndrome. Identifiers: Orphanet 477814, MedGen C5567650, MONDO:0014714, OMIM 616632.
Autosomal dominant nonsyndromic hearing loss 1. Also called: DEAFNESS, AUTOSOMAL DOMINANT 1, WITH OR WITHOUT THROMBOCYTOPENIA; KONIGSMARK SYNDROME. Identifiers: Orphanet 90635, MedGen C1852282, MONDO:0007424, OMIM 124900.

Submission:

Labcorp Genetics (formerly Invitae), Labcorp
Classification: Uncertain significance for Progressive microcephaly-seizures-cortical blindness-developmental delay syndrome; Autosomal dominant nonsyndromic hearing loss 1. Last evaluated: 2025-05-18. Review status: criteria provided, single submitter. Criteria: Invitae Variant Classification Sherloc (09022015). Collection method: clinical testing. Allele origin: germline.
Comment: This sequence change replaces leucine, which is neutral and non-polar, with proline, which is neutral and non-polar, at codon 172 of the DIAPH1 protein (p.Leu172Pro). This variant is not present in population databases (gnomAD no frequency). This variant has not been reported in the literature in individuals affected with DIAPH1-related conditions. Experimental studies and prediction algorithms are not available or were not evaluated, and the functional significance of this variant is currently unknown. In summary, the available evidence is currently insufficient to determine the role of this variant in disease. Therefore, it has been classified as a Variant of Uncertain Significance.